The following is an entry in ClinVar:

ClinVar aggregate classification (germline): Uncertain significance (1 of 4 stars; one submission).

Submission:

Labcorp Genetics (formerly Invitae), Labcorp
Classification: Uncertain significance. Last evaluated: 2025-04-07. Review status: criteria provided, single submitter. Criteria: Invitae Variant Classification Sherloc (09022015). Collection method: clinical testing. Allele origin: germline.
Comment: This sequence change replaces serine, which is neutral and polar, with asparagine, which is neutral and polar, at codon 477 of the SH3KBP1 protein (p.Ser477Asn). This variant is not present in population databases (gnomAD no frequency). This variant has not been reported in the literature in individuals affected with SH3KBP1-related conditions. Invitae Evidence Modeling of protein sequence and biophysical properties (such as structural, functional, and spatial information, amino acid conservation, physicochemical variation, residue mobility, and thermodynamic stability) indicates that this missense variant is not expected to disrupt SH3KBP1 protein function with a negative predictive value of 80%. In summary, the available evidence is currently insufficient to determine the role of this variant in disease. Therefore, it has been classified as a Variant of Uncertain Significance.

NM_031892.3(SH3KBP1):c.1430G>A (p.Ser477Asn)

Gene: SH3KBP1 (SH3 domain containing kinase binding protein 1; minus strand). Cytogenetic location: Xp22.12.
Variant type: single nucleotide variant.
Coding change: c.1430G>A on transcript NM_031892.3 (MANE Select); coding-DNA position 1430, G replaced by A.
Protein change: p.Ser477Asn; replaces serine 477 with asparagine.
Molecular consequence: missense variant.
Genome position (GRCh38, 1-based): chrX:19,550,038, C>T on the plus strand (G>A on the coding strand, the complement: SH3KBP1 is on the minus strand). VCF-style: chrX-19550038-C-T. GRCh37 (hg19) VCF-style: chrX-19568156-C-T.
Other names: c.1319G>A, p.Ser440Asn (NM_001024666.3); c.716G>A, p.Ser239Asn (NM_001184960.2, NM_001353897.2); c.1430G>A, p.Ser477Asn (NM_001353890.2); c.1505G>A, p.Ser502Asn (NM_001353891.2, NM_001353892.2); c.1328G>A, p.Ser443Asn (NM_001353893.2, NM_001353894.2); c.1385G>A, p.Ser462Asn (NM_001353895.2); c.1562G>A, p.Ser521Asn (NM_001410756.1, NM_001410757.1); c.1253G>A, p.Ser418Asn (NM_001410758.1); short protein forms S239N, S418N, S440N, S443N, S462N, S477N, S502N, S521N.
Identifiers: ClinVar variation 4811970 (VCV004811970.1).